The following is an entry in ClinVar:

NM_015001.3(SPEN):c.10391G>C (p.Gly3464Ala)

Gene: SPEN (spen family transcriptional repressor; plus strand). Cytogenetic location: 1p36.13.
Variant type: single nucleotide variant.
Coding change: c.10391G>C on transcript NM_015001.3 (MANE Select); coding-DNA position 10391, G replaced by C.
Protein change: p.Gly3464Ala; replaces glycine 3464 with alanine.
Molecular consequence: missense variant.
Genome position (GRCh38, 1-based): chr1:15,937,527, G>C. VCF-style: chr1-15937527-G-C. GRCh37 (hg19) VCF-style: chr1-16264022-G-C.
Other names: NC_000001.10:g.16264022G>C; short protein forms G3464A.
Identifiers: ClinVar variation 2398431 (VCV002398431.31), dbSNP rs41269153, ClinGen allele CA620717.

ClinVar aggregate classification (germline): Benign/Likely benign. Review status: criteria provided, multiple submitters, no conflicts (2 of 4 stars). 4 submissions from 4 submitters: Benign (1); Likely benign (2). 1 of the submissions does not count toward it. Last evaluated 2026-09-01.

Conditions:
SPEN-related disorder. Also called: SPEN-related condition.
Radio-Tartaglia syndrome. Identifiers: Orphanet 662234, MedGen C5543339, MONDO:0859143, OMIM 619312.
Inborn genetic diseases. Identifiers: MedGen C0950123, MeSH D030342.

Allele frequency attached by ClinVar (database versions not stated): 1000 Genomes Project 0.00060; 1000 Genomes Project 30x 0.00094; ExAC 0.00164; gnomAD 0.00188; ESP Exome Variant Server 0.00192; TOPMed 0.00205; gnomAD exomes 0.00276.
gnomAD v4.1: 4,335 of 1,613,948 alleles (0.27%); highest among the groups gnomAD compares: Non-Finnish European, 0.34%; 8 homozygotes.

Submissions (8):

CeGaT Center for Human Genetics Tuebingen
Classification: Likely benign. Last evaluated: 2026-09-01. Review status: criteria provided, single submitter. Criteria: CeGaT Center For Human Genetics Tuebingen Variant Classification Criteria Version 2. Collection method: clinical testing. Allele origin: germline. Affected: yes. Observed: 15 variant alleles.
Comment: SPEN: BP4, BS1

Molecular Genetics, Royal Melbourne Hospital
Classification: Likely benign for Radio-Tartaglia syndrome. Last evaluated: 2023-05-04. Review status: criteria provided, single submitter. Criteria: ACMG Guidelines, 2015. Collection method: clinical testing. Allele origin: germline. Affected: yes.
Comment: European Non-Finnish population allele frequency is 0.2761% (rs41269153, 382/129156 alleles, 0 homozygotes in gnomAD v2.1). Based on the classification scheme RMH Modified ACMG/AMP Guidelines v1.5.1, this variant is classified as LIKELY BENIGN. Following criteria are met: BS1

Ambry Genetics
Classification: Benign for Inborn genetic diseases. Last evaluated: 2022-09-25. Review status: criteria provided, single submitter. Criteria: Ambry Variant Classification Scheme 2023. Collection method: clinical testing. Allele origin: germline.

PreventionGenetics, part of Exact Sciences
Classification: Likely benign for SPEN-related condition. Last evaluated: 2022-02-15. Review status: no assertion criteria provided. Collection method: clinical testing. Allele origin: germline. Not counted in ClinVar's aggregate classification.
Comment: This variant is classified as likely benign based on ACMG/AMP sequence variant interpretation guidelines (Richards et al. 2015 PMID: 25741868, with internal and published modifications).

Dr. Peter K. Rogan Lab, Western University
No classification provided (evidence only). Condition: Familial cancer of breast. Review status: no classification provided. Collection method: in vitro. Allele origin: not applicable. Functional consequence: retained intron. Not counted in ClinVar's aggregate classification.

Dr. Peter K. Rogan Lab, Western University
No classification provided (evidence only). Condition: Colon adenocarcinoma. Review status: no classification provided. Collection method: in vitro. Allele origin: not applicable. Functional consequence: retained intron. Not counted in ClinVar's aggregate classification.

Dr. Peter K. Rogan Lab, Western University
No classification provided (evidence only). Condition: Thyroid cancer, nonmedullary, 1. Review status: no classification provided. Collection method: in vitro. Allele origin: not applicable. Functional consequence: retained intron. Not counted in ClinVar's aggregate classification.

Dr. Peter K. Rogan Lab, Western University
No classification provided (evidence only). Condition: Ovarian serous cystadenocarcinoma. Review status: no classification provided. Collection method: in vitro. Allele origin: not applicable. Functional consequence: retained intron. Not counted in ClinVar's aggregate classification.